The following is an entry in ClinVar:

NM_004360.5(CDH1):c.804G>T (p.Lys268Asn)

Gene: CDH1 (cadherin 1; plus strand). Cytogenetic location: 16q22.1.
Variant type: single nucleotide variant.
Coding change: c.804G>T on transcript NM_004360.5 (MANE Select); coding-DNA position 804, G replaced by T.
Protein change: p.Lys268Asn; replaces lysine 268 with asparagine.
Molecular consequence: missense variant. On other transcripts: 5 prime UTR variant (2).
Genome position (GRCh38, 1-based): chr16:68,810,313, G>T. VCF-style: chr16-68810313-G-T. GRCh37 (hg19) VCF-style: chr16-68844216-G-T.
Other names: c.804G>T, p.Lys268Asn (NM_001317184.2); c.-812G>T (NM_001317185.2); c.-1016G>T (NM_001317186.2); short protein forms K268N.
Identifiers: ClinVar variation 3642883 (VCV003642883.2).

ClinVar aggregate classification (germline): Uncertain significance (1 of 4 stars; one submission).

Conditions:
Hereditary diffuse gastric adenocarcinoma (HDGC). Also called: DIFFUSE GASTRIC AND LOBULAR BREAST CANCER SYNDROME. Identifiers: Orphanet 26106, MedGen C1708349, MONDO:0007648, OMIM 137215.

Submission:

Labcorp Genetics (formerly Invitae), Labcorp
Classification: Uncertain significance for Hereditary diffuse gastric adenocarcinoma. Last evaluated: 2024-02-23. Review status: criteria provided, single submitter. Criteria: Invitae Variant Classification Sherloc (09022015). Collection method: clinical testing. Allele origin: germline.
Comment: This sequence change replaces lysine, which is basic and polar, with asparagine, which is neutral and polar, at codon 268 of the CDH1 protein (p.Lys268Asn). This variant is not present in population databases (gnomAD no frequency). This variant has not been reported in the literature in individuals affected with CDH1-related conditions. An algorithm developed to predict the effect of missense changes on protein structure and function (PolyPhen-2) suggests that this variant is likely to be tolerated. In summary, the available evidence is currently insufficient to determine the role of this variant in disease. Therefore, it has been classified as a Variant of Uncertain Significance.